The following is an entry in ClinVar:

ClinVar aggregate classification (germline): Uncertain significance (1 of 4 stars; one submission).

Submission:

GeneDx
Classification: Uncertain significance. Last evaluated: 2025-07-17. Review status: criteria provided, single submitter. Criteria: GeneDx Variant Classification Process June 2021. Collection method: clinical testing. Allele origin: germline. Affected: yes.
Comment: Not observed at significant frequency in large population cohorts (gnomAD); Has not been previously published as pathogenic or benign to our knowledge; In silico analysis is inconclusive as to whether the variant alters gene splicing. In the absence of RNA/functional studies, the actual effect of this sequence change is unknown.

NM_001009944.3(PKD1):c.11712+3A>G

Gene: PKD1 (polycystin 1, transient receptor potential channel interacting; minus strand). Cytogenetic location: 16p13.3.
Variant type: single nucleotide variant.
Coding change: c.11712+3A>G on transcript NM_001009944.3 (MANE Select); 3 bases into the intron after coding-DNA position 11712, A replaced by G.
Molecular consequence: intron variant.
Genome position (GRCh38, 1-based): chr16:2,091,420, T>C on the plus strand (A>G on the coding strand, the complement: PKD1 is on the minus strand). VCF-style: chr16-2091420-T-C. GRCh37 (hg19) VCF-style: chr16-2141421-T-C.
Other names: c.11709+3A>G (NM_000296.4).
Identifiers: ClinVar variation 4686368 (VCV004686368.1).